The following is an entry in ClinVar:

NM_002299.4(LCT):c.54G>C (p.Trp18Cys)

Gene: LCT (lactase; minus strand). Cytogenetic location: 2q21.3.
Variant type: single nucleotide variant.
Coding change: c.54G>C on transcript NM_002299.4 (MANE Select); coding-DNA position 54, G replaced by C.
Protein change: p.Trp18Cys; replaces tryptophan 18 with cysteine.
Molecular consequence: missense variant.
Genome position (GRCh38, 1-based): chr2:135,837,116, C>G on the plus strand (G>C on the coding strand, the complement: LCT is on the minus strand). VCF-style: chr2-135837116-C-G. GRCh37 (hg19) VCF-style: chr2-136594686-C-G.
Other names: c.54G>C (LRG_338t1); short protein forms W18C.
Identifiers: ClinVar variation 331214 (VCV000331214.10), dbSNP rs886054870, ClinGen allele CA10612299.
Genomic context (GRCh38, chr2:135,837,116, plus strand): 5'-GTCATTGGTTAGAGGACCAGCGGTGGAAATGAAATTTCTATCAGACTCCCAGTCTGACCC[C>G]CAGCATGAAAAACTTAGCAGGGCAATAAAGACTACATGCCAAGACAGCTCCATTTTCTAG-3'
Protein context (NP_002290.2, residues 8-28): VFIALLSFSC[Trp18Cys]GSDWESDRNF

ClinVar aggregate classification (germline): Uncertain significance. Review status: criteria provided, multiple submitters, no conflicts (2 of 4 stars). 2 submissions from 2 submitters: Uncertain significance (2). Last evaluated 2022-04-06.

Conditions:
Congenital lactase deficiency. Also called: ALACTASIA, CONGENITAL; DISACCHARIDE INTOLERANCE II. Identifiers: Orphanet 53690, MedGen C0268179, MONDO:0009115, OMIM 223000.

Allele frequency attached by ClinVar (database versions not stated): gnomAD exomes below 0.00001.
gnomAD v4.1: 1 of 1,613,904 alleles (0.000062%); highest among the groups gnomAD compares: East Asian, 0.0022%; no homozygotes.

Submissions (2):

Labcorp Genetics (formerly Invitae), Labcorp
Classification: Uncertain significance. Last evaluated: 2022-04-06. Review status: criteria provided, single submitter. Criteria: Invitae Variant Classification Sherloc (09022015). Collection method: clinical testing. Allele origin: germline.
Comment: In summary, the available evidence is currently insufficient to determine the role of this variant in disease. Therefore, it has been classified as a Variant of Uncertain Significance. Algorithms developed to predict the effect of missense changes on protein structure and function are either unavailable or do not agree on the potential impact of this missense change (SIFT: "Not Available"; PolyPhen-2: "Benign"; Align-GVGD: "Not Available"). ClinVar contains an entry for this variant (Variation ID: 331214). This variant has not been reported in the literature in individuals affected with LCT-related conditions. This variant is not present in population databases (gnomAD no frequency). This sequence change replaces tryptophan, which is neutral and slightly polar, with cysteine, which is neutral and slightly polar, at codon 18 of the LCT protein (p.Trp18Cys).

Illumina Laboratory Services, Illumina
Classification: Uncertain significance for Congenital lactase deficiency. Last evaluated: 2018-01-12. Review status: criteria provided, single submitter. Criteria: ICSL Variant Classification Criteria 13 December 2019. Collection method: clinical testing. Allele origin: germline.